The following is an entry in ClinVar:

NM_018723.4(RBFOX1):c.1004G>A (p.Arg335Gln)

Genes: RBFOX1 (RNA binding fox-1 homolog 1; plus strand), LOC126862279 (MED14-independent group 3 enhancer GRCh37_chr16:7758954-7760153; plus strand). Cytogenetic location: 16p13.3.
Variant type: single nucleotide variant.
Coding change: c.1004G>A on transcript NM_018723.4 (MANE Select); coding-DNA position 1004, G replaced by A.
Protein change: p.Arg335Gln; replaces arginine 335 with glutamine.
Molecular consequence: missense variant.
Genome position (GRCh38, 1-based): chr16:7,709,064, G>A. VCF-style: chr16-7709064-G-A. GRCh37 (hg19) VCF-style: chr16-7759066-G-A.
Other names: c.923G>A, p.Arg308Gln (NM_001142333.2); c.1004G>A, p.Arg335Gln (NM_001142334.2); c.1133G>A, p.Arg378Gln (NM_001308117.1); c.1057G>A, p.Glu353Lys (NM_001364800.2); c.1067G>A, p.Arg356Gln (NM_145891.3, NM_145892.3); c.1120G>A, p.Glu374Lys (NM_145893.3); short protein forms E353K, R308Q, E374K, R356Q, R335Q, R378Q.
Identifiers: ClinVar variation 1511441 (VCV001511441.8), dbSNP rs763620262, ClinGen allele CA7891948.
Genomic context (GRCh38, chr16:7,709,064, plus strand): 5'-TGTTTTGTAATTGCATACTGTGGATCAATCTTCACCTCTATTTTCCTTTCAGTTACGGAC[G>A]AGTTTATGCTGCCGACCCCTACCACCACGCACTTGCTCCAGCCCCCACCTACGGCGTTGG-3'
Protein context (NP_061193.2, residues 325-345): TAAAYSDSYG[Arg335Gln]VYAADPYHHA

ClinVar aggregate classification (germline): Uncertain significance (1 of 4 stars; one submission).

Conditions:
Idiopathic generalized epilepsy. Also called: Generalised epilepsy; EIG. Identifiers: MedGen C0270850, MONDO:0005579, OMIM 600669.

Allele frequency attached by ClinVar (database versions not stated): TOPMed 0.00001; ExAC 0.00002; gnomAD exomes 0.00004.
gnomAD v4.1: 34 of 1,613,470 alleles (0.0021%); highest among the groups gnomAD compares: East Asian, 0.011%; no homozygotes.

Submission:

Labcorp Genetics (formerly Invitae), Labcorp
Classification: Uncertain significance for Idiopathic generalized epilepsy. Last evaluated: 2023-08-23. Review status: criteria provided, single submitter. Criteria: Invitae Variant Classification Sherloc (09022015). Collection method: clinical testing. Allele origin: germline.
Comment: In summary, the available evidence is currently insufficient to determine the role of this variant in disease. Therefore, it has been classified as a Variant of Uncertain Significance. Advanced modeling of protein sequence and biophysical properties (such as structural, functional, and spatial information, amino acid conservation, physicochemical variation, residue mobility, and thermodynamic stability) performed at Invitae indicates that this missense variant is not expected to disrupt RBFOX1 protein function. ClinVar contains an entry for this variant (Variation ID: 1511441). This variant has not been reported in the literature in individuals affected with RBFOX1-related conditions. This variant is present in population databases (rs763620262, gnomAD 0.01%). This sequence change replaces arginine, which is basic and polar, with glutamine, which is neutral and polar, at codon 356 of the RBFOX1 protein (p.Arg356Gln).